The following is an entry in ClinVar:

NM_000440.3(PDE6A):c.1407G>C (p.Leu469Phe)

Gene: PDE6A (phosphodiesterase 6A; minus strand). Cytogenetic location: 5q32.
Variant type: single nucleotide variant.
Coding change: c.1407G>C on transcript NM_000440.3 (MANE Select); coding-DNA position 1407, G replaced by C.
Protein change: p.Leu469Phe; replaces leucine 469 with phenylalanine.
Molecular consequence: missense variant.
Genome position (GRCh38, 1-based): chr5:149,898,363, C>G on the plus strand (G>C on the coding strand, the complement: PDE6A is on the minus strand). VCF-style: chr5-149898363-C-G. GRCh37 (hg19) VCF-style: chr5-149277926-C-G.
Other names: short protein forms L469F.
Identifiers: ClinVar variation 167433 (VCV000167433.17), dbSNP rs727504073, ClinGen allele CA234511.

ClinVar aggregate classification (germline): Uncertain significance. Review status: criteria provided, multiple submitters, no conflicts (2 of 4 stars). 5 submissions from 5 submitters: Uncertain significance (5). Last evaluated 2025-12-08.

Allele frequency attached by ClinVar (database versions not stated): TOPMed 0.00003; gnomAD 0.00001.
gnomAD v4.1: 6 of 1,613,122 alleles (0.00037%); highest among the groups gnomAD compares: Middle Eastern, 0.017%; no homozygotes.

Submissions (5):

Labcorp Genetics (formerly Invitae), Labcorp
Classification: Uncertain significance. Last evaluated: 2025-12-08. Review status: criteria provided, single submitter. Criteria: Invitae Variant Classification Sherloc (09022015). Collection method: clinical testing. Allele origin: germline.
Comment: This sequence change replaces leucine, which is neutral and non-polar, with phenylalanine, which is neutral and non-polar, at codon 469 of the PDE6A protein (p.Leu469Phe). This variant also falls at the last nucleotide of exon 10, which is part of the consensus splice site for this exon. This variant is present in population databases (rs727504073, gnomAD 0.003%). This missense change has been observed in individual(s) with retinitis pigmentosa (internal data). In at least one individual the data is consistent with being in trans (on the opposite chromosome) from a pathogenic variant. ClinVar contains an entry for this variant (Variation ID: 167433). Invitae Evidence Modeling of protein sequence and biophysical properties (such as structural, functional, and spatial information, amino acid conservation, physicochemical variation, residue mobility, and thermodynamic stability) has been performed for this missense variant. However, the output from this modeling did not meet the statistical confidence thresholds required to predict the impact of this variant on PDE6A protein function. Variants that disrupt the consensus splice site are a relatively common cause of aberrant splicing (PMID: 17576681, 9536098). Algorithms developed to predict the effect of sequence changes on RNA splicing suggest that this variant may disrupt the consensus splice site. In summary, the available evidence is currently insufficient to determine the role of this variant in disease. Therefore, it has been classified as a Variant of Uncertain Significance.

GeneDx
Classification: Uncertain significance. Last evaluated: 2022-11-16. Review status: criteria provided, single submitter. Criteria: GeneDx Variant Classification Process June 2021. Collection method: clinical testing. Allele origin: germline. Affected: yes.
Comment: Not observed at significant frequency in large population cohorts (gnomAD); In silico analysis supports that this missense variant has a deleterious effect on protein structure/function; In addition, in silico splice predictors suggest this variant may lead to abnormal gene splicing. In the absence of RNA/functional studies, the actual effect of this sequence change is unknown.; Has not been previously published in the peer-reviewed literature as pathogenic or benign to our knowledge; This variant is associated with the following publications: (PMID: Pascual2018[Thesis])

Blueprint Genetics
Classification: Uncertain significance. Last evaluated: 2022-09-27. Review status: criteria provided, single submitter. Criteria: ACMG Guidelines, 2015. Collection method: clinical testing. Allele origin: germline.

Eurofins Ntd Llc (ga)
Classification: Uncertain significance. Last evaluated: 2013-12-27. Review status: criteria provided, single submitter. Criteria: EGL Classification Definitions 2015. Collection method: clinical testing. Allele origin: germline. Observed: 1 variant allele, 1 heterozygote.

Breakthrough Genomics
Classification: Uncertain significance. Review status: criteria provided, single submitter. Criteria: ACMG Guidelines, 2015. Collection method: not provided. Allele origin: germline. Inheritance: Unknown mechanism. Affected: yes.

Literature cited by the submitters: PubMed 17576681 (cited by Labcorp Genetics (formerly Invitae), Labcorp); PubMed 9536098 (cited by Labcorp Genetics (formerly Invitae), Labcorp).